The following is an entry in ClinVar:

ClinVar aggregate classification (germline): Uncertain significance (1 of 4 stars; one submission).

gnomAD v4.1: 1 of 1,612,744 alleles (0.000062%); highest among the groups gnomAD compares: Non-Finnish European, 0.000085%; no homozygotes.

Submission:

Labcorp Genetics (formerly Invitae), Labcorp
Classification: Uncertain significance. Last evaluated: 2024-07-22. Review status: criteria provided, single submitter. Criteria: Invitae Variant Classification Sherloc (09022015). Collection method: clinical testing. Allele origin: germline.
Comment: This sequence change replaces alanine, which is neutral and non-polar, with aspartic acid, which is acidic and polar, at codon 876 of the LRP2 protein (p.Ala876Asp). This variant is not present in population databases (gnomAD no frequency). This variant has not been reported in the literature in individuals affected with LRP2-related conditions. Advanced modeling of protein sequence and biophysical properties (such as structural, functional, and spatial information, amino acid conservation, physicochemical variation, residue mobility, and thermodynamic stability) performed at Invitae indicates that this missense variant is expected to disrupt LRP2 protein function with a positive predictive value of 80%. In summary, the available evidence is currently insufficient to determine the role of this variant in disease. Therefore, it has been classified as a Variant of Uncertain Significance.

NM_004525.3(LRP2):c.2627C>A (p.Ala876Asp)

Gene: LRP2 (LDL receptor related protein 2; minus strand). Cytogenetic location: 2q31.1.
Variant type: single nucleotide variant.
Coding change: c.2627C>A on transcript NM_004525.3 (MANE Select); coding-DNA position 2627, C replaced by A.
Protein change: p.Ala876Asp; replaces alanine 876 with aspartic acid.
Molecular consequence: missense variant.
Genome position (GRCh38, 1-based): chr2:169,257,136, G>T on the plus strand (C>A on the coding strand, the complement: LRP2 is on the minus strand). VCF-style: chr2-169257136-G-T. GRCh37 (hg19) VCF-style: chr2-170113646-G-T.
Other names: short protein forms A876D.
Identifiers: ClinVar variation 3657498 (VCV003657498.2).